The following is an entry in ClinVar:

NM_001374736.1(DST):c.6421A>G (p.Ile2141Val)

Gene: DST (dystonin; minus strand). Cytogenetic location: 6p12.1.
Variant type: single nucleotide variant.
Coding change: c.6421A>G on transcript NM_001374736.1 (MANE Select); coding-DNA position 6421, A replaced by G.
Protein change: p.Ile2141Val; replaces isoleucine 2141 with valine.
Molecular consequence: missense variant. On other transcripts: intron variant (6).
Genome position (GRCh38, 1-based): chr6:56,608,207, T>C on the plus strand (A>G on the coding strand, the complement: DST is on the minus strand). VCF-style: chr6-56608207-T-C. GRCh37 (hg19) VCF-style: chr6-56473005-T-C.
Other names: c.6421A>G, p.Ile2141Val (NM_001374722.1); c.5788A>G, p.Ile1930Val (NM_001374729.1); c.6448A>G, p.Ile2150Val (NM_001374734.1); c.5184+2220A>G (NM_001144769.5); c.4770+2220A>G (NM_001144770.2); c.4650+2220A>G (NM_001374730.1, NM_001386100.1, NM_183380.4); c.3672+2220A>G (NM_015548.5); short protein forms I1930V, I2141V, I2150V.
Identifiers: ClinVar variation 2656669 (VCV002656669.24), dbSNP rs151214572, ClinGen allele CA3869559.

ClinVar aggregate classification (germline): Likely benign (1 of 4 stars; one submission).

Allele frequency attached by ClinVar (database versions not stated): 1000 Genomes Project 30x 0.00031; 1000 Genomes Project 0.00040; gnomAD 0.00041; gnomAD exomes 0.00047; ESP Exome Variant Server 0.00051; TOPMed 0.00054; ExAC 0.00057.
gnomAD v4.1: 788 of 1,613,696 alleles (0.049%); highest among the groups gnomAD compares: Middle Eastern, 1.1%; 4 homozygotes.

Submission:

CeGaT Center for Human Genetics Tuebingen
Classification: Likely benign. Last evaluated: 2025-10-01. Review status: criteria provided, single submitter. Criteria: CeGaT Center For Human Genetics Tuebingen Variant Classification Criteria Version 2. Collection method: clinical testing. Allele origin: germline. Affected: yes. Observed: 3 variant alleles.
Comment: DST: BP4